The following is an entry in ClinVar:

NM_016034.5(MRPS2):c.506G>A (p.Arg169His)

Genes: MRPS2 (mitochondrial ribosomal protein S2; plus strand), LOC101928525 (uncharacterized LOC101928525; minus strand). Cytogenetic location: 9q34.3.
Variant type: single nucleotide variant.
Coding change: c.506G>A on transcript NM_016034.5 (MANE Select); coding-DNA position 506, G replaced by A.
Protein change: p.Arg169His; replaces arginine 169 with histidine.
Molecular consequence: missense variant. On other transcripts: non-coding transcript variant (4).
Genome position (GRCh38, 1-based): chr9:135,503,748, G>A. VCF-style: chr9-135503748-G-A. GRCh37 (hg19) VCF-style: chr9-138395594-G-A.
Other names: c.506G>A, p.Arg169His (NM_001371401.1); short protein forms R169H.
Identifiers: ClinVar variation 3633150 (VCV003633150.2).

ClinVar aggregate classification (germline): Uncertain significance (1 of 4 stars; one submission).

Submission:

Labcorp Genetics (formerly Invitae), Labcorp
Classification: Uncertain significance. Last evaluated: 2024-07-27. Review status: criteria provided, single submitter. Criteria: Invitae Variant Classification Sherloc (09022015). Collection method: clinical testing. Allele origin: germline.
Comment: This sequence change replaces arginine, which is basic and polar, with histidine, which is basic and polar, at codon 169 of the MRPS2 protein (p.Arg169His). This variant is present in population databases (rs760188552, gnomAD 0.03%). This variant has not been reported in the literature in individuals affected with MRPS2-related conditions. Advanced modeling of protein sequence and biophysical properties (such as structural, functional, and spatial information, amino acid conservation, physicochemical variation, residue mobility, and thermodynamic stability) has been performed at Invitae for this missense variant, however the output from this modeling did not meet the statistical confidence thresholds required to predict the impact of this variant on MRPS2 protein function. In summary, the available evidence is currently insufficient to determine the role of this variant in disease. Therefore, it has been classified as a Variant of Uncertain Significance.